The following is an entry in ClinVar:

NM_199355.4(ADAMTS18):c.2914C>G (p.His972Asp)

Gene: ADAMTS18 (ADAM metallopeptidase with thrombospondin type 1 motif 18; minus strand). Cytogenetic location: 16q23.1.
Variant type: single nucleotide variant.
Coding change: c.2914C>G on transcript NM_199355.4 (MANE Select); coding-DNA position 2914, C replaced by G.
Protein change: p.His972Asp; replaces histidine 972 with aspartic acid.
Molecular consequence: missense variant.
Genome position (GRCh38, 1-based): chr16:77,295,015, G>C on the plus strand (C>G on the coding strand, the complement: ADAMTS18 is on the minus strand). VCF-style: chr16-77295015-G-C. GRCh37 (hg19) VCF-style: chr16-77328912-G-C.
Other names: c.2398C>G, p.His800Asp (NM_001326358.2); short protein forms H972D, H800D.
Identifiers: ClinVar variation 1489438 (VCV001489438.6), dbSNP rs1231964799, ClinGen allele CA396833477.

ClinVar aggregate classification (germline): Uncertain significance (1 of 4 stars; one submission).

Allele frequency attached by ClinVar (database versions not stated): gnomAD exomes below 0.00001.
gnomAD v4.1: 3 of 1,614,170 alleles (0.00019%); highest among the groups gnomAD compares: South Asian, 0.0033%; no homozygotes.

Submission:

Labcorp Genetics (formerly Invitae), Labcorp
Classification: Uncertain significance. Last evaluated: 2021-11-16. Review status: criteria provided, single submitter. Criteria: Invitae Variant Classification Sherloc (09022015). Collection method: clinical testing. Allele origin: germline.
Comment: In summary, the available evidence is currently insufficient to determine the role of this variant in disease. Therefore, it has been classified as a Variant of Uncertain Significance. Algorithms developed to predict the effect of missense changes on protein structure and function are either unavailable or do not agree on the potential impact of this missense change (SIFT: "Not Available"; PolyPhen-2: "Benign"; Align-GVGD: "Not Available"). This variant has not been reported in the literature in individuals affected with ADAMTS18-related conditions. This variant is present in population databases (no rsID available, gnomAD 0.003%). This sequence change replaces histidine, which is basic and polar, with aspartic acid, which is acidic and polar, at codon 972 of the ADAMTS18 protein (p.His972Asp).